The following is an entry in ClinVar:

ClinVar aggregate classification (germline): Uncertain significance. Review status: criteria provided, multiple submitters, no conflicts (2 of 4 stars). 2 submissions from 2 submitters: Uncertain significance (2). Last evaluated 2024-12-19.

Conditions:
Polycystic kidney disease, adult type (PKD1). Also called: POLYCYSTIC KIDNEY DISEASE, ADULT, TYPE I; Polycystic Kidney Disease 1, Autosomal Dominant; Polycystic kidney disease 1; Polycystic kidney disease 1, severe; Polycystic Kidney, Autosomal Dominant; POLYCYSTIC KIDNEY DISEASE 1 WITH OR WITHOUT POLYCYSTIC LIVER DISEASE. Identifiers: MedGen C3149841, MONDO:0008263, OMIM 173900.
PKD1-related disorder. Also called: PKD1-related condition.

gnomAD v4.1: 2 of 1,601,868 alleles (0.00012%); highest among the groups gnomAD compares: Admixed American, 0.0033%; no homozygotes.

Submissions (2):

Genomic Medicine Center of Excellence, King Faisal Specialist Hospital and Research Centre
Classification: Uncertain significance for Polycystic kidney disease, adult type. Last evaluated: 2024-12-19. Review status: criteria provided, single submitter. Criteria: ACMG Guidelines, 2015. Collection method: clinical testing. Allele origin: germline.

PreventionGenetics, part of Exact Sciences
Classification: Uncertain significance for PKD1-related condition. Last evaluated: 2024-10-17. Review status: criteria provided, single submitter. Criteria: ACMG Guidelines, 2015. Collection method: clinical testing. Allele origin: germline.
Comment: The PKD1 c.10233G>T variant is predicted to result in the amino acid substitution p.Trp3411Cys. To our knowledge, this variant has not been reported in the literature. This variant is reported in 0.0058% of alleles in individuals of Latino descent in gnomAD. At this time, the clinical significance of this variant is uncertain due to the absence of conclusive functional and genetic evidence.

NM_001009944.3(PKD1):c.10233G>T (p.Trp3411Cys)

Gene: PKD1 (polycystin 1, transient receptor potential channel interacting; minus strand). Cytogenetic location: 16p13.3.
Variant type: single nucleotide variant.
Coding change: c.10233G>T on transcript NM_001009944.3 (MANE Select); coding-DNA position 10233, G replaced by T.
Protein change: p.Trp3411Cys; replaces tryptophan 3411 with cysteine.
Molecular consequence: missense variant.
Genome position (GRCh38, 1-based): chr16:2,097,491, C>A on the plus strand (G>T on the coding strand, the complement: PKD1 is on the minus strand). VCF-style: chr16-2097491-C-A. GRCh37 (hg19) VCF-style: chr16-2147492-C-A.
Other names: c.10230G>T, p.Trp3410Cys (NM_000296.4); short protein forms W3410C, W3411C.
Identifiers: ClinVar variation 3393067 (VCV003393067.2).